The following is an entry in ClinVar:

NM_015404.4(WHRN):c.715_717delinsAAA (p.Pro239Lys)

Gene: WHRN (whirlin; minus strand). Cytogenetic location: 9q32.
Variant type: Indel.
Coding change: c.715_717delinsAAA on transcript NM_015404.4 (MANE Select); coding-DNA positions 715 to 717, CCG replaced by AAA.
Protein change: p.Pro239Lys; replaces proline 239 with lysine.
Molecular consequence: missense variant. On other transcripts: 5 prime UTR variant (1).
Genome position (GRCh38, 1-based): chr9:114,478,673-114,478,675, CGG replaced by TTT on the plus strand (CCG replaced by AAA on the coding strand, the reverse complement: WHRN is on the minus strand). VCF-style: chr9-114478673-CGG-TTT. GRCh37 (hg19) VCF-style: chr9-117240953-CGG-TTT.
Other names: c.-435_-433delinsAAA (NM_001083885.3); c.715_717delinsAAA, p.Pro239Lys (NM_001173425.2); short protein forms P239K.
Identifiers: ClinVar variation 2016638 (VCV002016638.4), dbSNP rs2493296652, ClinGen allele CA2580079468.

ClinVar aggregate classification (germline): Uncertain significance (1 of 4 stars; one submission).

Submission:

Labcorp Genetics (formerly Invitae), Labcorp
Classification: Uncertain significance. Last evaluated: 2022-07-13. Review status: criteria provided, single submitter. Criteria: Invitae Variant Classification Sherloc (09022015). Collection method: clinical testing. Allele origin: germline.
Comment: This sequence change replaces proline, which is neutral and non-polar, with lysine, which is basic and polar, at codon 239 of the WHRN protein (p.Pro239Lys). Information on the frequency of this variant in the gnomAD database is not available, as this variant may be reported differently in the database. This variant has not been reported in the literature in individuals affected with WHRN-related conditions. Algorithms developed to predict the effect of missense changes on protein structure and function are either unavailable or do not agree on the potential impact of this missense change (SIFT: "Not Available"; PolyPhen-2: "Probably Damaging"; Align-GVGD: "Not Available"). In summary, the available evidence is currently insufficient to determine the role of this variant in disease. Therefore, it has been classified as a Variant of Uncertain Significance.